The following is an entry in ClinVar:

ClinVar aggregate classification (germline): not provided (0 of 4 stars; one submission).

Submission:

GeneDx
No classification provided. Last evaluated: 2013-08-05. Review status: no classification provided. Criteria: GeneDx Variant Classification (06012015). Collection method: clinical testing. Allele origin: germline. Affected: yes.
Comment: Missense variants in the TTN gene are considered 'unclassified' if they are not previously reported in the literature and do not have >1% frequency in the population to be considered a polymorphism. Research indicates that truncating mutations in the TTN gene are expected to account for approximately 25% of familial and 18% of sporadic idiopathic DCM; however, truncating variants in the TTN gene have been reported in approximately 3% of reported control alleles. There has been little investigation into non-truncating variants. (Herman D et al. Truncations of titin causing dilated cardiomyopathy. N Eng J Med 366:619-628, 2012) The variant is found in DCM panel(s).

NM_001267550.2(TTN):c.76567_76568insAGA (p.Ile25522_Arg25523insLys)

Genes: TTN (titin; minus strand), TTN-AS1 (TTN antisense RNA 1; plus strand). Cytogenetic location: 2q31.2.
Variant type: Insertion.
Coding change: c.76567_76568insAGA on transcript NM_001267550.2 (MANE Select); coding-DNA positions 76567 to 76568, AGA inserted.
Protein change: p.Ile25522_Arg25523insLys.
Molecular consequence: inframe insertion.
Genome position: GRCh38 VCF-style: chr2-178569564-C-CTCT. GRCh37 (hg19) VCF-style: chr2-179434291-C-CTCT.
Other names: c.71644_71645insAGA, p.Ile23881_Arg23882insLys (NM_001256850.1); c.49372_49373insAGA, p.Ile16457_Arg16458insLys (NM_003319.4); c.68863_68864insAGA, p.Ile22954_Arg22955insLys (NM_133378.4); c.49747_49748insAGA, p.Ile16582_Arg16583insLys (NM_133432.3); c.49948_49949insAGA, p.Ile16649_Arg16650insLys (NM_133437.4); c.71643_71644insAAG (NM_001256850.1).
Identifiers: ClinVar variation 202867 (VCV000202867.1), dbSNP rs794729498, ClinGen allele CA310531.
Genomic context (GRCh38, chr2:178,569,564, plus strand): 5'-TTAACTTCTGGTGTAGGACGACCTTTTATAGGAACAAATAACCTTAAGGAGCCACCTGCC[C>CTCT]TTATATTTATGATTTTCCTTAGTTCTAGGTCAAGATCAATGTCTGGTGCTTCTAATTTTT-3'